The following is an entry in ClinVar:

NM_017636.4(TRPM4):c.3329-99G>A

Gene: TRPM4 (transient receptor potential cation channel subfamily M member 4; plus strand). Cytogenetic location: 19q13.33.
Variant type: single nucleotide variant.
Coding change: c.3329-99G>A on transcript NM_017636.4 (MANE Select); 99 bases into the intron before coding-DNA position 3329, G replaced by A.
Molecular consequence: intron variant.
Genome position (GRCh38, 1-based): chr19:49,210,611, G>A. VCF-style: chr19-49210611-G-A. GRCh37 (hg19) VCF-style: chr19-49713868-G-A.
Other names: NC_000019.9:g.49713868G>A; c.2894-99G>A (NM_001195227.2); c.1721-99G>A (NM_001321282.2); c.2984-99G>A (NM_001321281.2); c.2807-99G>A (NM_001321283.2); c.2267-99G>A (NM_001321285.2).
Identifiers: ClinVar variation 674845 (VCV000674845.3), dbSNP rs76193804, ClinGen allele CA309420509.
Genomic context (GRCh38, chr19:49,210,611, plus strand): 5'-GCACTGAGGGGCAGTGCTTACGGGTGAGGGGCGGGGCATGTTCTCGAATCACCAGGGGCT[G>A]GGTCTGGGATAGCGTGCGTGTTCTGAGGGTGTCGGAAGGGGCAGCTGGGATTGGGAAGGG-3'

ClinVar aggregate classification (germline): Likely benign. Review status: criteria provided, multiple submitters, no conflicts (2 of 4 stars). 2 submissions from 2 submitters: Likely benign (2). Last evaluated 2018-06-19.

Allele frequency attached by ClinVar (database versions not stated): 1000 Genomes Project 0.01717; 1000 Genomes Project 30x 0.01858; gnomAD 0.03330 and 0.03361; TOPMed 0.03417; gnomAD exomes 0.04933.
gnomAD v4.1: 75,406 of 1,577,758 alleles (4.8%); highest among the groups gnomAD compares: Non-Finnish European, 5.8%; 2,272 homozygotes.

Submissions (9):

GeneDx
Classification: Likely benign. Last evaluated: 2018-06-19. Review status: criteria provided, single submitter. Criteria: GeneDx Variant Classification (06012015). Collection method: clinical testing. Allele origin: germline. Affected: yes.
Comment: This variant is considered likely benign or benign based on one or more of the following criteria: it is a conservative change, it occurs at a poorly conserved position in the protein, it is predicted to be benign by multiple in silico algorithms, and/or has population frequency not consistent with disease.

Breakthrough Genomics
Classification: Likely benign. Review status: criteria provided, single submitter. Criteria: ACMG Guidelines, 2015. Collection method: not provided. Allele origin: germline. Inheritance: Autosomal dominant inheritance. Affected: yes.

Dr. Peter K. Rogan Lab, Western University
No classification provided (evidence only). Condition: Familial cancer of breast. Review status: no classification provided. Collection method: in vitro. Allele origin: not applicable. Functional consequence: retained intron. Not counted in ClinVar's aggregate classification.

Dr. Peter K. Rogan Lab, Western University
No classification provided (evidence only). Condition: Cervical cancer. Review status: no classification provided. Collection method: in vitro. Allele origin: not applicable. Functional consequence: retained intron. Not counted in ClinVar's aggregate classification.

Dr. Peter K. Rogan Lab, Western University
No classification provided (evidence only). Condition: Cervical cancer. Review status: no classification provided. Collection method: in vitro. Allele origin: not applicable. Functional consequence: retained intron. Not counted in ClinVar's aggregate classification.

Dr. Peter K. Rogan Lab, Western University
No classification provided (evidence only). Condition: Cervical cancer. Review status: no classification provided. Collection method: in vitro. Allele origin: not applicable. Functional consequence: retained intron. Not counted in ClinVar's aggregate classification.

Dr. Peter K. Rogan Lab, Western University
No classification provided (evidence only). Condition: Gastric cancer. Review status: no classification provided. Collection method: in vitro. Allele origin: not applicable. Functional consequence: retained intron. Not counted in ClinVar's aggregate classification.

Dr. Peter K. Rogan Lab, Western University
No classification provided (evidence only). Condition: Gastric cancer. Review status: no classification provided. Collection method: in vitro. Allele origin: not applicable. Functional consequence: retained intron. Not counted in ClinVar's aggregate classification.

Dr. Peter K. Rogan Lab, Western University
No classification provided (evidence only). Condition: Uterine carcinosarcoma. Review status: no classification provided. Collection method: in vitro. Allele origin: not applicable. Functional consequence: retained intron. Not counted in ClinVar's aggregate classification.